The following is an entry in ClinVar:

ClinVar aggregate classification (germline): Pathogenic (1 of 4 stars; one submission).

Submission:

Quest Diagnostics Nichols Institute San Juan Capistrano
Classification: Pathogenic. Last evaluated: 2023-04-14. Review status: criteria provided, single submitter. Criteria: ACMG/ClinGen CNV Guidelines, 2019. Collection method: clinical testing. Allele origin: unknown.
Comment: This loss involves multiple exons (NM_015678.5) of the 3' portion of NBEA (OMIM 604889) and MAB21L1 (OMIM 601280). Haploinsufficiency of NBEA is associated with autosomal dominant neurodevelopmental disorder with or without early-onset generalized epilepsy (NEDEGE; OMIM 619157, Monlong 2018, Mulhern 2018, Royer-Bertrand 2021). Deletions of NBEA have also been identified in patients with autism (Kushima 2018). There are no similar copy number losses of this region in the general populations of the Database of Genomic Variants. Thus, this copy number variant (CNV) is classified as pathogenic. References: Kushima et al., Cell Rep. 2018 Sep 11;24(11):2838-2856. PMID: 30208311 Monlong et al., PLoS Genet. 2018 Apr 12;14(4):e1007285. PMID: 29649218 Mulhern et al., Ann Neurol. 2018 Nov;84(5):788-795. PMID: 30269351 Royer-Bertrand et al., Genes (Basel). 2021 Sep 16;12(9):1427. PMID: 34573409

GRCh37/hg19 13q13.3(chr13:35778509-36259617)x1

Genes: MAB21L1 (mab-21 like 1; minus strand), NBEA (neurobeachin; plus strand). Cytogenetic location: 13q13.3.
Variant type: copy number loss.
Change: copy number 1 (one copy instead of two) of chr13:35,778,509-36,259,617 (481.1 kb, GRCh37 coordinates, 1-based), cytogenetic band 13q13.3.
Identifiers: ClinVar variation 2685461 (VCV002685461.1).